The following is an entry in ClinVar:

NM_001048174.2(MUTYH):c.863A>C (p.Gln288Pro)

Gene: MUTYH (mutY DNA glycosylase; minus strand). Cytogenetic location: 1p34.1.
Variant type: single nucleotide variant.
Coding change: c.863A>C on transcript NM_001048174.2 (MANE Select); coding-DNA position 863, A replaced by C.
Protein change: p.Gln288Pro; replaces glutamine 288 with proline.
Molecular consequence: missense variant. On other transcripts: non-coding transcript variant (7).
Genome position (GRCh38, 1-based): chr1:45,332,073, T>G on the plus strand (A>C on the coding strand, the complement: MUTYH is on the minus strand). VCF-style: chr1-45332073-T-G. GRCh37 (hg19) VCF-style: chr1-45797745-T-G.
Other names: c.863A>C, p.Gln288Pro (NM_001048171.2, NM_001048173.2, NM_001293195.2 and 6 more transcripts); c.866A>C, p.Gln289Pro (NM_001048172.2, NM_001407071.1, NM_001407078.1 and 1 more transcripts); c.947A>C, p.Gln316Pro (NM_001128425.2); c.908A>C, p.Gln303Pro (NM_001293190.2); c.896A>C, p.Gln299Pro (NM_001293191.2, NM_001407069.1, NM_001407077.1); c.587A>C, p.Gln196Pro (NM_001293192.2, NM_001293196.2, NM_001407091.1); c.518A>C, p.Gln173Pro (NM_001350650.2, NM_001350651.2, NM_001407082.1); c.779A>C, p.Gln260Pro (NM_001407075.1); and 5 more; short protein forms Q173P, Q274P, Q313P, Q260P, Q288P, Q289P, Q302P, Q316P.
Identifiers: ClinVar variation 4113936 (VCV004113936.1).

ClinVar aggregate classification (germline): Uncertain significance (1 of 4 stars; one submission).

Conditions:
Hereditary cancer-predisposing syndrome. Also called: Hereditary neoplastic syndrome; Neoplastic Syndromes, Hereditary; Tumor predisposition; Hereditary Cancer Syndrome. Identifiers: Orphanet 140162, MedGen C0027672, MeSH D009386, MONDO:0015356.

Submission:

Ambry Genetics
Classification: Uncertain significance for Hereditary cancer-predisposing syndrome. Last evaluated: 2025-08-27. Review status: criteria provided, single submitter. Criteria: Ambry Variant Classification Scheme 2023. Collection method: clinical testing. Allele origin: germline.
Comment: The p.Q316P variant (also known as c.947A>C), located in coding exon 11 of the MUTYH gene, results from an A to C substitution at nucleotide position 947. The glutamine at codon 316 is replaced by proline, an amino acid with similar properties. This amino acid position is conserved. In addition, this alteration is predicted to be tolerated by in silico analysis. Based on the available evidence, the clinical significance of this variant remains unclear.